The following is an entry in ClinVar:

ClinVar aggregate classification (germline): Uncertain significance. Review status: criteria provided, multiple submitters, no conflicts (2 of 4 stars). 3 submissions from 3 submitters: Uncertain significance (3). Last evaluated 2024-12-08.

Conditions:
RASopathy. Also called: Noonan spectrum disorder; rasopathies. Identifiers: Orphanet 536391, MedGen C5555857, MONDO:0021060.
Noonan syndrome and Noonan-related syndrome. Identifiers: Orphanet 98733, MedGen C5681679, MONDO:0020297.

Allele frequency attached by ClinVar (database versions not stated): ExAC 0.00001; gnomAD exomes 0.00001.
gnomAD v4.1: 3 of 1,613,722 alleles (0.00019%); highest among the groups gnomAD compares: Non-Finnish European, 0.00025%; no homozygotes.

Submissions (3):

Labcorp Genetics (formerly Invitae), Labcorp
Classification: Uncertain significance for RASopathy. Last evaluated: 2024-12-08. Review status: criteria provided, single submitter. Criteria: Invitae Variant Classification Sherloc (09022015). Collection method: clinical testing. Allele origin: germline.
Comment: This sequence change replaces isoleucine, which is neutral and non-polar, with threonine, which is neutral and polar, at codon 393 of the CBL protein (p.Ile393Thr). This variant is present in population databases (rs775272530, gnomAD 0.002%). This variant has not been reported in the literature in individuals affected with CBL-related conditions. ClinVar contains an entry for this variant (Variation ID: 1334230). Invitae Evidence Modeling of protein sequence and biophysical properties (such as structural, functional, and spatial information, amino acid conservation, physicochemical variation, residue mobility, and thermodynamic stability) indicates that this missense variant is expected to disrupt CBL protein function with a positive predictive value of 95%. In summary, the available evidence is currently insufficient to determine the role of this variant in disease. Therefore, it has been classified as a Variant of Uncertain Significance.

GeneDx
Classification: Uncertain significance. Last evaluated: 2023-05-22. Review status: criteria provided, single submitter. Criteria: GeneDx Variant Classification Process June 2021. Collection method: clinical testing. Allele origin: germline. Affected: yes.
Comment: In silico analysis supports that this missense variant has a deleterious effect on protein structure/function; Has not been previously published as pathogenic or benign to our knowledge; This variant is associated with the following publications: (PMID: 22315494, 20619386)

Genome Diagnostics Laboratory, The Hospital for Sick Children
Classification: Uncertain significance for Noonan syndrome and Noonan-related syndrome. Last evaluated: 2018-10-04. Review status: criteria provided, single submitter. Criteria: ACMG Guidelines, 2015. Collection method: clinical testing. Allele origin: germline.

NM_005188.4(CBL):c.1178T>C (p.Ile393Thr)

Gene: CBL (Cbl proto-oncogene; plus strand). Cytogenetic location: 11q23.3.
Variant type: single nucleotide variant.
Coding change: c.1178T>C on transcript NM_005188.4 (MANE Select); coding-DNA position 1178, T replaced by C.
Protein change: p.Ile393Thr; replaces isoleucine 393 with threonine.
Molecular consequence: missense variant.
Genome position (GRCh38, 1-based): chr11:119,278,248, T>C. VCF-style: chr11-119278248-T-C. GRCh37 (hg19) VCF-style: chr11-119148958-T-C.
Other names: c.1178T>C (NM_005188.2); short protein forms I393T.
Identifiers: ClinVar variation 1334230 (VCV001334230.6), dbSNP rs775272530, ClinGen allele CA6318447.